The following is an entry in ClinVar:

ClinVar aggregate classification (germline): Pathogenic. Review status: criteria provided, multiple submitters, no conflicts (2 of 4 stars). 3 submissions from 3 submitters: Pathogenic (3). Last evaluated 2026-01-26.

Conditions:
Hereditary nonpolyposis colorectal neoplasms. Identifiers: MedGen C0009405, MeSH D003123.
Hereditary cancer-predisposing syndrome. Also called: Hereditary neoplastic syndrome; Tumor predisposition; Hereditary Cancer Syndrome; Neoplastic Syndromes, Hereditary. Identifiers: Orphanet 140162, MedGen C0027672, MeSH D009386, MONDO:0015356.
Lynch syndrome 5 (LYNCH5). Also called: Colorectal cancer, hereditary nonpolyposis, type 5; Hereditary non-polyposis colorectal cancer, type 5. Identifiers: Orphanet 144, MedGen C1833477, MONDO:0013710, OMIM 614350. Disease mechanism: loss of function.

Submissions (3):

Labcorp Genetics (formerly Invitae), Labcorp
Classification: Pathogenic for Hereditary nonpolyposis colorectal neoplasms. Last evaluated: 2026-01-26. Review status: criteria provided, single submitter. Criteria: Invitae Variant Classification Sherloc (09022015). Collection method: clinical testing. Allele origin: germline.
Comment: This sequence change creates a premature translational stop signal (p.Cys779Leufs*6) in the MSH6 gene. It is expected to result in an absent or disrupted protein product. Loss-of-function variants in MSH6 are known to be pathogenic (PMID: 18269114, 24362816). This variant is not present in population databases (gnomAD no frequency). This variant has not been reported in the literature in individuals affected with MSH6-related conditions. ClinVar contains an entry for this variant (Variation ID: 1068512). For these reasons, this variant has been classified as Pathogenic.

Ambry Genetics
Classification: Pathogenic for Hereditary cancer-predisposing syndrome. Last evaluated: 2025-05-29. Review status: criteria provided, single submitter. Criteria: Ambry Variant Classification Scheme 2023. Collection method: clinical testing. Allele origin: germline.
Comment: The c.2335dupT pathogenic mutation, located in coding exon 4 of the MSH6 gene, results from a duplication of T at nucleotide position 2335, causing a translational frameshift with a predicted alternate stop codon (p.C779Lfs*6). This variant is considered to be rare based on population cohorts in the Genome Aggregation Database (gnomAD). This alteration is expected to result in loss of function by premature protein truncation or nonsense-mediated mRNA decay. As such, this alteration is interpreted as a disease-causing mutation.

Myriad Genetics, Inc.
Classification: Pathogenic for Lynch syndrome 5. Last evaluated: 2023-08-17. Review status: criteria provided, single submitter. Criteria: Myriad Autosomal Dominant, Autosomal Recessive and X-Linked Classification Criteria (2023). Collection method: clinical testing. Allele origin: unknown.
Comment: This variant is considered pathogenic. This variant creates a frameshift predicted to result in premature protein truncation.

Literature cited by the submitters: PubMed 18269114 (cited by Labcorp Genetics (formerly Invitae), Labcorp); PubMed 24362816 (cited by Labcorp Genetics (formerly Invitae), Labcorp).

NM_000179.3(MSH6):c.2335dup (p.Cys779fs)

Gene: MSH6 (mutS homolog 6; plus strand). Cytogenetic location: 2p16.3.
Variant type: Duplication.
Coding change: c.2335dup on transcript NM_000179.3 (MANE Select); coding-DNA position 2335, one base duplicated (T; older notation c.2335dupT).
Protein change: p.Cys779fs; shifts the reading frame from cysteine 779.
Molecular consequence: frameshift variant.
Genome position (GRCh38, 1-based): chr2:47,800,318, T duplicated; the last of 3 consecutive T bases (chr2:47,800,316-47,800,318); duplicating any one gives the same sequence. VCF-style (leftmost placement, unchanged base first): chr2-47800315-C-CT. GRCh37 (hg19) VCF-style: chr2-48027454-C-CT.
Other names: c.1945dup, p.Cys649fs (NM_001281492.2); c.1429dup, p.Cys477fs (NM_001281493.2, NM_001281494.2); short protein forms C477fs, C649fs, C779fs.
Identifiers: ClinVar variation 1068512 (VCV001068512.12), dbSNP rs2104401401, ClinGen allele CA2499216114.